The following is an entry in ClinVar:

ClinVar aggregate classification (germline): Pathogenic/Likely pathogenic. Review status: criteria provided, multiple submitters, no conflicts (2 of 4 stars). 2 submissions from 2 submitters: Pathogenic (1); Likely pathogenic (1). Last evaluated 2023-01-20.

Conditions:
Cone-rod dystrophy. Also called: Cone-rod degeneration; Cone/cone-rod dystrophy. Identifiers: Orphanet 1872, MedGen C4085590, MONDO:0015993, HP:0000548.

Submissions (2):

Revvity Omics, Revvity
Classification: Likely pathogenic. Last evaluated: 2023-01-20. Review status: criteria provided, single submitter. Criteria: ACMG Guidelines, 2015. Collection method: clinical testing. Allele origin: germline.

DBGen Ocular Genomics
Classification: Pathogenic for Cone-rod dystrophy. Last evaluated: 2022-01-01. Review status: criteria provided, single submitter. Criteria: ACMG Guidelines, 2015. Collection method: clinical testing. Allele origin: inherited. Inheritance: Autosomal recessive inheritance. Affected: yes.
Comment: Class 5 ACMG Guidelines, 2015

NM_016247.4(IMPG2):c.829-2A>T

Gene: IMPG2 (interphotoreceptor matrix proteoglycan 2; minus strand). Cytogenetic location: 3q12.3.
Variant type: single nucleotide variant.
Coding change: c.829-2A>T on transcript NM_016247.4 (MANE Select); the canonical splice acceptor site of the intron before coding-DNA position 829, A replaced by T.
Molecular consequence: splice acceptor variant.
Genome position (GRCh38, 1-based): chr3:101,269,575, T>A on the plus strand (A>T on the coding strand, the complement: IMPG2 is on the minus strand). VCF-style: chr3-101269575-T-A. GRCh37 (hg19) VCF-style: chr3-100988419-T-A.
Identifiers: ClinVar variation 2440908 (VCV002440908.5), dbSNP rs2508989693, ClinGen allele CA353867496.
Genomic context (GRCh38, chr3:101,269,575, plus strand): 5'-CTAAATTCAAGTACACGAATTTCCTTGTAGCCTGGTAACCCAGTAAATGCATTTTCAACC[T>A]GTTAAAAGTACAAATAAAAATGATAACTATGTAAAAATATGGAAAAATATATAGAAAATA-3'